The following is an entry in ClinVar:

ClinVar aggregate classification (germline): Uncertain significance (1 of 4 stars; one submission).

Conditions:
Hereditary cancer-predisposing syndrome. Also called: Neoplastic Syndromes, Hereditary; Tumor predisposition; Hereditary neoplastic syndrome; Hereditary Cancer Syndrome. Identifiers: Orphanet 140162, MedGen C0027672, MeSH D009386, MONDO:0015356.

Submission:

Ambry Genetics
Classification: Uncertain significance for Hereditary cancer-predisposing syndrome. Last evaluated: 2024-02-12. Review status: criteria provided, single submitter. Criteria: Ambry Variant Classification Scheme 2023. Collection method: clinical testing. Allele origin: germline.
Comment: The p.L205H variant (also known as c.614T>A), located in coding exon 3 of the FLCN gene, results from a T to A substitution at nucleotide position 614. The leucine at codon 205 is replaced by histidine, an amino acid with similar properties. This amino acid position is conserved. In addition, the in silico prediction for this alteration is inconclusive. Based on the available evidence, the clinical significance of this alteration remains unclear.

NM_144997.7(FLCN):c.614T>A (p.Leu205His)

Gene: FLCN (folliculin; minus strand). Cytogenetic location: 17p11.2.
Variant type: single nucleotide variant.
Coding change: c.614T>A on transcript NM_144997.7 (MANE Select); coding-DNA position 614, T replaced by A.
Protein change: p.Leu205His; replaces leucine 205 with histidine.
Molecular consequence: missense variant.
Genome position (GRCh38, 1-based): chr17:17,223,926, A>T on the plus strand (T>A on the coding strand, the complement: FLCN is on the minus strand). VCF-style: chr17-17223926-A-T. GRCh37 (hg19) VCF-style: chr17-17127240-A-T.
Other names: c.668T>A, p.Leu223His (NM_001353229.2); c.614T>A, p.Leu205His (NM_001353230.2, NM_001353231.2, NM_144606.7); short protein forms L205H, L223H.
Identifiers: ClinVar variation 3229254 (VCV003229254.1), dbSNP rs878855219, ClinGen allele CA398534178.
Genomic context (GRCh38, chr17:17,223,926, plus strand): 5'-GCGGCTCATGCAGTGCAGGGCCCCCTGCCGCCCCGGCACCTCATCTCTGAATTCACCTTG[A>T]GCGCCTTGCCCTGGAGCTCATCGATGATTCCCCGGACCTTCCCCAGCAGGAAGGGCCAGG-3'
Protein context (NP_659434.2, residues 195-215): GIIDELQGKA[Leu205His]KVFEAEQFGC